The following is an entry in ClinVar:

NM_198060.4(NRAP):c.5035C>T (p.Arg1679Trp)

Gene: NRAP (nebulin related anchoring protein; minus strand). Cytogenetic location: 10q25.3.
Variant type: single nucleotide variant.
Coding change: c.5035C>T on transcript NM_198060.4 (MANE Select); coding-DNA position 5035, C replaced by T.
Protein change: p.Arg1679Trp; replaces arginine 1679 with tryptophan.
Molecular consequence: missense variant.
Genome position (GRCh38, 1-based): chr10:113,589,719, G>A on the plus strand (C>T on the coding strand, the complement: NRAP is on the minus strand). VCF-style: chr10-113589719-G-A. GRCh37 (hg19) VCF-style: chr10-115349478-G-A.
Other names: c.5035C>T, p.Arg1679Trp (NM_001261463.2); c.4927C>T, p.Arg1643Trp (NM_001322945.2); c.4930C>T, p.Arg1644Trp (NM_006175.5); short protein forms R1643W, R1644W, R1679W.
Identifiers: ClinVar variation 3366017 (VCV003366017.1).

ClinVar aggregate classification (germline): Uncertain significance (1 of 4 stars; one submission).

gnomAD v4.1: 49 of 1,614,028 alleles (0.003%); highest among the groups gnomAD compares: South Asian, 0.0055%; no homozygotes.

Submission:

GeneDx
Classification: Uncertain significance. Last evaluated: 2023-10-15. Review status: criteria provided, single submitter. Criteria: GeneDx Variant Classification Process June 2021. Collection method: clinical testing. Allele origin: germline. Affected: yes.
Comment: In silico analysis supports that this missense variant has a deleterious effect on protein structure/function; Has not been previously published as pathogenic or benign to our knowledge